The following is an entry in ClinVar:

ClinVar aggregate classification (germline): Uncertain significance (1 of 4 stars; one submission).

gnomAD v4.1: 2 of 1,614,156 alleles (0.00012%); highest among the groups gnomAD compares: Non-Finnish European, 0.00017%; no homozygotes.

Submission:

Labcorp Genetics (formerly Invitae), Labcorp
Classification: Uncertain significance. Last evaluated: 2025-07-22. Review status: criteria provided, single submitter. Criteria: Invitae Variant Classification Sherloc (09022015). Collection method: clinical testing. Allele origin: germline.
Comment: This sequence change replaces proline, which is neutral and non-polar, with serine, which is neutral and polar, at codon 1070 of the ALPK3 protein (p.Pro1070Ser). This variant is not present in population databases (gnomAD no frequency). This variant has not been reported in the literature in individuals affected with ALPK3-related conditions. Invitae Evidence Modeling of protein sequence and biophysical properties (such as structural, functional, and spatial information, amino acid conservation, physicochemical variation, residue mobility, and thermodynamic stability) indicates that this missense variant is not expected to disrupt ALPK3 protein function with a negative predictive value of 80%. In summary, the available evidence is currently insufficient to determine the role of this variant in disease. Therefore, it has been classified as a Variant of Uncertain Significance.

NM_020778.5(ALPK3):c.2602C>T (p.Pro868Ser)

Gene: ALPK3 (alpha kinase 3; plus strand). Cytogenetic location: 15q25.3.
Variant type: single nucleotide variant.
Coding change: c.2602C>T on transcript NM_020778.5 (MANE Select); coding-DNA position 2602, C replaced by T.
Protein change: p.Pro868Ser; replaces proline 868 with serine.
Molecular consequence: missense variant.
Genome position (GRCh38, 1-based): chr15:84,857,340, C>T. VCF-style: chr15-84857340-C-T. GRCh37 (hg19) VCF-style: chr15-85400571-C-T.
Other names: short protein forms P868S.
Identifiers: ClinVar variation 4804267 (VCV004804267.1).
Genomic context (GRCh38, chr15:84,857,340, plus strand): 5'-CCGTGTATGGATCAGGGTGGCTGTCCTCTAGCTGGCCTGAGCCAGGAGGTACCCACGATG[C>T]CTTCTCTTCCTGGAACTGGGCTGACAGCTAGCCCAAAGGCGGGGCCGTGTAGCACCCCGA-3'
Protein context (NP_065829.4, residues 858-878): AGLSQEVPTM[Pro868Ser]SLPGTGLTAS